The following is an entry in ClinVar:

NM_002382.5(MAX):c.416A>G (p.Asp139Gly)

Gene: MAX (MYC associated transcriptional regulator X; minus strand). Cytogenetic location: 14q23.3.
Variant type: single nucleotide variant.
Coding change: c.416A>G on transcript NM_002382.5 (MANE Select); coding-DNA position 416, A replaced by G.
Protein change: p.Asp139Gly; replaces aspartic acid 139 with glycine.
Molecular consequence: missense variant. On other transcripts: 3 prime UTR variant (12), non-coding transcript variant (7), intron variant (2).
Genome position (GRCh38, 1-based): chr14:65,076,543, T>C on the plus strand (A>G on the coding strand, the complement: MAX is on the minus strand). VCF-style: chr14-65076543-T-C. GRCh37 (hg19) VCF-style: chr14-65543261-T-C.
Other names: c.227A>G, p.Asp76Gly (NM_001320415.2, NM_001407105.1, NM_001407106.1 and 1 more transcripts); c.416A>G, p.Asp139Gly (NM_001407094.1); c.389A>G, p.Asp130Gly (NM_001407095.1, NM_145112.3); c.*189A>G (NM_001407096.1, NM_001407099.1, NM_001407102.1 and 2 more transcripts); c.*205A>G (NM_001407097.1, NM_001407100.1, NM_001407101.1 and 4 more transcripts); c.308A>G, p.Asp103Gly (NM_001407098.1); c.215A>G, p.Asp72Gly (NM_001407111.1, NM_001407112.1); c.144+17165A>G (NM_001271069.2); and 1 more; short protein forms D103G, D130G, D72G, D76G, D139G.
Identifiers: ClinVar variation 3543704 (VCV003543704.1).

ClinVar aggregate classification (germline): Uncertain significance (1 of 4 stars; one submission).

Conditions:
Hereditary cancer-predisposing syndrome. Also called: Hereditary Cancer Syndrome; Hereditary neoplastic syndrome; Tumor predisposition; Neoplastic Syndromes, Hereditary. Identifiers: Orphanet 140162, MedGen C0027672, MeSH D009386, MONDO:0015356.

Submission:

Ambry Genetics
Classification: Uncertain significance for Hereditary cancer-predisposing syndrome. Last evaluated: 2024-12-04. Review status: criteria provided, single submitter. Criteria: Ambry Variant Classification Scheme 2023. Collection method: clinical testing. Allele origin: germline.
Comment: The p.D139G variant (also known as c.416A>G), located in coding exon 5 of the MAX gene, results from an A to G substitution at nucleotide position 416. The aspartic acid at codon 139 is replaced by glycine, an amino acid with similar properties. This amino acid position is conserved. In addition, the in silico prediction for this alteration is inconclusive. Based on the available evidence, the clinical significance of this variant remains unclear.